The following is an entry in ClinVar:

NM_024596.5(MCPH1):c.233+73A>G

Gene: MCPH1 (microcephalin 1; plus strand). Cytogenetic location: 8p23.1.
Variant type: single nucleotide variant.
Coding change: c.233+73A>G on transcript NM_024596.5 (MANE Select); 73 bases into the intron after coding-DNA position 233, A replaced by G.
Molecular consequence: intron variant.
Genome position (GRCh38, 1-based): chr8:6,414,956, A>G. VCF-style: chr8-6414956-A-G. GRCh37 (hg19) VCF-style: chr8-6272477-A-G.
Other names: c.233+73A>G (NM_001322042.2, NM_001363980.2, NM_001363979.1 and 2 more transcripts); c.227+73A>G (NM_001322043.2); c.131+73A>G (NM_001322045.2).
Identifiers: ClinVar variation 670446 (VCV000670446.2), dbSNP rs2515415, ClinGen allele CA171365129.

ClinVar aggregate classification (germline): Benign. Review status: criteria provided, multiple submitters, no conflicts (2 of 4 stars). 2 submissions from 2 submitters: Benign (2). Last evaluated 2018-06-16.

Allele frequency attached by ClinVar (database versions not stated): 1000 Genomes Project 30x 0.96814; TOPMed 0.96924; gnomAD 0.97007 and 0.97223; 1000 Genomes Project 0.97025; gnomAD exomes 0.99721.
gnomAD v4.1: 1,494,968 of 1,503,116 alleles (99%); highest among the groups gnomAD compares: East Asian, 100%; 743,766 homozygotes.

Submissions (2):

GeneDx
Classification: Benign. Last evaluated: 2018-06-16. Review status: criteria provided, single submitter. Criteria: GeneDx Variant Classification (06012015). Collection method: clinical testing. Allele origin: germline. Affected: yes.
Comment: This variant is considered likely benign or benign based on one or more of the following criteria: it is a conservative change, it occurs at a poorly conserved position in the protein, it is predicted to be benign by multiple in silico algorithms, and/or has population frequency not consistent with disease.

Breakthrough Genomics
Classification: Benign. Review status: criteria provided, single submitter. Criteria: ACMG Guidelines, 2015. Collection method: not provided. Allele origin: germline. Inheritance: Autosomal recessive inheritance. Affected: yes.